The following is an entry in ClinVar:

ClinVar aggregate classification (germline): Uncertain significance (1 of 4 stars; one submission).

Conditions:
Tuberous sclerosis 2 (TSC2). Identifiers: Orphanet 805, MedGen C1860707, MONDO:0013199, OMIM 613254.

gnomAD v4.1: 1 of 1,612,314 alleles (0.000062%); highest among the groups gnomAD compares: Non-Finnish European, 0.000085%; no homozygotes.

Submission:

Labcorp Genetics (formerly Invitae), Labcorp
Classification: Uncertain significance for Tuberous sclerosis 2. Last evaluated: 2025-05-19. Review status: criteria provided, single submitter. Criteria: Invitae Variant Classification Sherloc (09022015). Collection method: clinical testing. Allele origin: germline.
Comment: This sequence change replaces asparagine, which is neutral and polar, with serine, which is neutral and polar, at codon 1762 of the TSC2 protein (p.Asn1762Ser). This variant is not present in population databases (gnomAD no frequency). This variant has not been reported in the literature in individuals affected with TSC2-related conditions. Invitae Evidence Modeling of protein sequence and biophysical properties (such as structural, functional, and spatial information, amino acid conservation, physicochemical variation, residue mobility, and thermodynamic stability) indicates that this missense variant is not expected to disrupt TSC2 protein function with a negative predictive value of 95%. In summary, the available evidence is currently insufficient to determine the role of this variant in disease. Therefore, it has been classified as a Variant of Uncertain Significance.

NM_000548.5(TSC2):c.5285A>G (p.Asn1762Ser)

Gene: TSC2 (TSC complex subunit 2; plus strand). Cytogenetic location: 16p13.3.
Variant type: single nucleotide variant.
Coding change: c.5285A>G on transcript NM_000548.5 (MANE Select); coding-DNA position 5285, A replaced by G.
Protein change: p.Asn1762Ser; replaces asparagine 1762 with serine.
Molecular consequence: missense variant. On other transcripts: non-coding transcript variant (5).
Genome position (GRCh38, 1-based): chr16:2,088,471, A>G. VCF-style: chr16-2088471-A-G. GRCh37 (hg19) VCF-style: chr16-2138472-A-G.
Other names: c.5084A>G, p.Asn1695Ser (NM_001077183.3); c.5216A>G, p.Asn1739Ser (NM_001114382.3); c.4976A>G, p.Asn1659Ser (NM_001318827.2); c.4940A>G, p.Asn1647Ser (NM_001318829.2); c.4553A>G, p.Asn1518Ser (NM_001318831.2); c.5117A>G, p.Asn1706Ser (NM_001318832.2); c.5087A>G, p.Asn1696Ser (NM_001363528.2); c.5153A>G, p.Asn1718Ser (NM_001370404.1); and 27 more; short protein forms N1518S, N1539S, N1542S, N1658S, N1676S, N1690S, N1691S, N1725S.
Identifiers: ClinVar variation 4765206 (VCV004765206.1).